The following is an entry in ClinVar:

ClinVar aggregate classification (germline): Uncertain significance. Review status: criteria provided, multiple submitters, no conflicts (2 of 4 stars). 5 submissions from 5 submitters: Uncertain significance (4). 1 of the submissions does not count toward it. Last evaluated 2026-08-04.

Conditions:
Rubinstein-Taybi syndrome due to CREBBP mutations (RSTS1). Also called: BROAD THUMBS AND GREAT TOES, CHARACTERISTIC FACIES, AND IMPAIRED INTELLECTUAL DEVELOPMENT; RUBINSTEIN-TAYBI SYNDROME 1, INCOMPLETE; CREBBP-Related Rubinstein-Taybi Syndrome; BROAD THUMB-HALLUX SYNDROME; Rubinstein-Taybi syndrome 1; RUBINSTEIN SYNDROME. Identifiers: Orphanet 353277, Orphanet 783, MedGen C4551859, MONDO:0008393, OMIM 180849.
Menke-Hennekam syndrome 1 (MKHK1). Identifiers: MedGen C5193034, MONDO:0020763, OMIM 618332.
Inborn genetic diseases. Identifiers: MedGen C0950123, MeSH D030342.
CREBBP-related disorder. Also called: CREBBP-related disorders; CREBBP-related condition.

Allele frequency attached by ClinVar (database versions not stated): gnomAD 0.00001; TOPMed 0.00001; gnomAD exomes 0.00003.

Submissions (5):

GeneDx
Classification: Uncertain significance. Last evaluated: 2026-08-04. Review status: criteria provided, single submitter. Criteria: GeneDx Variant Classification Process June 2021. Collection method: clinical testing. Allele origin: germline.
Comment: In silico analysis supports that this missense variant has a deleterious effect on protein structure/function; Has not been previously published as pathogenic or benign to our knowledge

Ambry Genetics
Classification: Uncertain significance for Inborn genetic diseases. Last evaluated: 2025-02-25. Review status: criteria provided, single submitter. Criteria: Ambry Variant Classification Scheme 2023. Collection method: clinical testing. Allele origin: germline.

Molecular Genetics, Royal Melbourne Hospital
Classification: Uncertain significance for Rubinstein-Taybi syndrome due to CREBBP mutations. Last evaluated: 2022-03-03. Review status: criteria provided, single submitter. Criteria: ACMG Guidelines, 2015. Collection method: clinical testing. Allele origin: germline.
Comment: This sequence change in CREBBP is predicted to replace tyrosine with cysteine at codon 1214, p.(Tyr1214Cys). The tyrosine residue is highly conserved (100 vertebrates, UCSC), and is located in a Cys/His rich region. There is a large physicochemical difference between tyrosine and cysteine. The highest population minor allele frequency in gnomAD v3.1 (absent in gnomAD v2.1) is 0.005% (2/41,436 alleles) in the African/African American population. To our knowledge, this variant has not been reported in the literature in any individuals with CREBBP-related conditions. The variant has been reported as a variant of uncertain significance (ClinVar ID: 1253583). Multiple lines of computational evidence predict a deleterious effect for the missense substitution (6/6 algorithms). Based on the classification scheme RMH Modified ACMG Guidelines v1.5.1, this variant is classified as a VARIANT OF UNCERTAIN SIGNIFICANCE. Following criteria are met: PP3.

Fulgent Genetics
Classification: Uncertain significance for Rubinstein-Taybi syndrome due to CREBBP mutations; Menke-Hennekam syndrome 1. Last evaluated: 2021-10-20. Review status: criteria provided, single submitter. Criteria: ACMG Guidelines, 2015. Collection method: clinical testing. Allele origin: unknown.

PreventionGenetics, part of Exact Sciences
Classification: Uncertain significance for CREBBP-related condition. Last evaluated: 2024-03-20. Review status: no assertion criteria provided. Collection method: clinical testing. Allele origin: germline. Not counted in ClinVar's aggregate classification.
Comment: The CREBBP c.3641A>G variant is predicted to result in the amino acid substitution p.Tyr1214Cys. To our knowledge, this variant has not been reported in the literature or in a large population database, indicating this variant is rare. At this time, the clinical significance of this variant is uncertain due to the absence of conclusive functional and genetic evidence.

NM_004380.3(CREBBP):c.3641A>G (p.Tyr1214Cys)

Gene: CREBBP (CREB binding lysine acetyltransferase; minus strand). Cytogenetic location: 16p13.3.
Variant type: single nucleotide variant.
Coding change: c.3641A>G on transcript NM_004380.3 (MANE Select); coding-DNA position 3641, A replaced by G.
Protein change: p.Tyr1214Cys; replaces tyrosine 1214 with cysteine.
Molecular consequence: missense variant.
Genome position (GRCh38, 1-based): chr16:3,757,345, T>C on the plus strand (A>G on the coding strand, the complement: CREBBP is on the minus strand). VCF-style: chr16-3757345-T-C. GRCh37 (hg19) VCF-style: chr16-3807346-T-C.
Other names: c.3527A>G, p.Tyr1176Cys (NM_001079846.1); short protein forms Y1176C, Y1214C.
Identifiers: ClinVar variation 1253583 (VCV001253583.9), dbSNP rs1272691121, ClinGen allele CA394568449.